The following is an entry in ClinVar:

ClinVar aggregate classification (germline): Uncertain significance. Review status: criteria provided, multiple submitters, no conflicts (2 of 4 stars). 2 submissions from 2 submitters: Uncertain significance (2). Last evaluated 2024-12-05.

Conditions:
MYH6-related disorder. Also called: MYH6-Related Disorders; MYH6-related condition.
Cardiovascular phenotype. Identifiers: MedGen CN230736.

Allele frequency attached by ClinVar (database versions not stated): TOPMed below 0.00001.

Submissions (2):

PreventionGenetics, part of Exact Sciences
Classification: Uncertain significance for MYH6-related condition. Last evaluated: 2024-12-05. Review status: criteria provided, single submitter. Criteria: ACMG Guidelines, 2015. Collection method: clinical testing. Allele origin: germline.
Comment: The MYH6 c.3460G>C variant is predicted to result in the amino acid substitution p.Glu1154Gln. To our knowledge, this variant has not been reported in the literature or in a large population database (gnomAD), indicating this variant is rare. At this time, the clinical significance of this variant is uncertain due to the absence of conclusive functional and genetic evidence.

Ambry Genetics
Classification: Uncertain significance for Cardiovascular phenotype. Last evaluated: 2022-06-22. Review status: criteria provided, single submitter. Criteria: Ambry Variant Classification Scheme 2023. Collection method: clinical testing. Allele origin: germline.
Comment: The p.E1154Q variant (also known as c.3460G>C), located in coding exon 24 of the MYH6 gene, results from a G to C substitution at nucleotide position 3460. The glutamic acid at codon 1154 is replaced by glutamine, an amino acid with highly similar properties. This amino acid position is conserved. In addition, the in silico prediction for this alteration is inconclusive. Since supporting evidence is limited at this time, the clinical significance of this alteration remains unclear.

NM_002471.4(MYH6):c.3460G>C (p.Glu1154Gln)

Gene: MYH6 (myosin heavy chain 6; minus strand). Cytogenetic location: 14q11.2.
Variant type: single nucleotide variant.
Coding change: c.3460G>C on transcript NM_002471.4 (MANE Select); coding-DNA position 3460, G replaced by C.
Protein change: p.Glu1154Gln; replaces glutamic acid 1154 with glutamine.
Molecular consequence: missense variant.
Genome position (GRCh38, 1-based): chr14:23,390,329, C>G on the plus strand (G>C on the coding strand, the complement: MYH6 is on the minus strand). VCF-style: chr14-23390329-C-G. GRCh37 (hg19) VCF-style: chr14-23859538-C-G.
Other names: short protein forms E1154Q.
Identifiers: ClinVar variation 1731641 (VCV001731641.3), dbSNP rs1891198794, ClinGen allele CA389006310.
Genomic context (GRCh38, chr14:23,390,329, plus strand): 5'-GGAACTCGGCCTCGCGCTTCTTGTTCATCTCGATCTGCACGGACGTGGCCCCGCCGGCCT[C>G]TTCCAGCCGCTCGCTGATCTCCTCCAGCTCCCGAGACAGGTCTGAGCGCAGCTTCTCCAC-3'
Protein context (NP_002462.2, residues 1144-1164): ELEEISERLE[Glu1154Gln]AGGATSVQIE